The following is an entry in ClinVar:

NM_000268.4(NF2):c.269A>G (p.Glu90Gly)

Gene: NF2 (NF2, moesin-ezrin-radixin like (MERLIN) tumor suppressor; plus strand). Cytogenetic location: 22q12.2.
Variant type: single nucleotide variant.
Coding change: c.269A>G on transcript NM_000268.4 (MANE Select); coding-DNA position 269, A replaced by G.
Protein change: p.Glu90Gly; replaces glutamic acid 90 with glycine.
Molecular consequence: missense variant. On other transcripts: 5 prime UTR variant (1), intron variant (8).
Genome position (GRCh38, 1-based): chr22:29,639,118, A>G. VCF-style: chr22-29639118-A-G. GRCh37 (hg19) VCF-style: chr22-30035107-A-G.
Other names: c.155A>G, p.Glu52Gly (NM_001407053.1, NM_001407056.1); c.143A>G, p.Glu48Gly (NM_001407055.1, NM_181828.3); c.269A>G, p.Glu90Gly (NM_001407057.1, NM_001407059.1, NM_001407060.1 and 5 more transcripts); c.-372A>G (NM_001407065.1); c.38A>G, p.Glu13Gly (NM_001407067.1); c.240+2242A>G (NM_001407058.1, NM_181829.3, NM_001407054.1 and 1 more transcripts); c.115-3084A>G (NM_001407063.1, NM_181830.3, NM_001407064.1 and 1 more transcripts); short protein forms E48G, E90G, E13G, E52G.
Identifiers: ClinVar variation 2587695 (VCV002587695.4), dbSNP rs2146870373, ClinGen allele CA411153117.

ClinVar aggregate classification (germline): Uncertain significance. Review status: criteria provided, multiple submitters, no conflicts (2 of 4 stars). 2 submissions from 2 submitters: Uncertain significance (2). Last evaluated 2025-11-06.

Conditions:
Neurofibromatosis, type 2 (SWNV). Also called: BILATERAL ACOUSTIC NEUROFIBROMATOSIS; SCHWANNOMATOSIS, VESTIBULAR; NF2-Related Schwannomatosis. Identifiers: Orphanet 637, MedGen C0027832, MONDO:0007039, OMIM 101000. Disease mechanism: loss of function.
Hereditary cancer-predisposing syndrome. Also called: Neoplastic Syndromes, Hereditary; Hereditary Cancer Syndrome; Tumor predisposition; Hereditary neoplastic syndrome. Identifiers: Orphanet 140162, MedGen C0027672, MeSH D009386, MONDO:0015356.

Submissions (2):

Ambry Genetics
Classification: Uncertain significance for Hereditary cancer-predisposing syndrome. Last evaluated: 2025-11-06. Review status: criteria provided, single submitter. Criteria: Ambry Variant Classification Scheme 2023. Collection method: clinical testing. Allele origin: germline.
Comment: The p.E90G variant (also known as c.269A>G), located in coding exon 3 of the NF2 gene, results from an A to G substitution at nucleotide position 269. The glutamic acid at codon 90 is replaced by glycine, an amino acid with similar properties. This amino acid position is highly conserved in available vertebrate species. In addition, the in silico prediction for this alteration is inconclusive. Based on the available evidence, the clinical significance of this variant remains unclear.

Color Diagnostics, LLC DBA Color Health
Classification: Uncertain significance for Neurofibromatosis, type 2. Last evaluated: 2025-05-30. Review status: criteria provided, single submitter. Criteria: ACMG Guidelines, 2015. Collection method: clinical testing. Allele origin: germline.
Comment: This missense variant replaces glutamic acid with glycine at codon 90 of the NF2 protein. Computational prediction suggests that this variant may not impact protein structure and function. To our knowledge, functional studies have not been reported for this variant. This variant has not been reported in individuals affected with NF2-related disorders in the literature. This variant has not been identified in the general population by the Genome Aggregation Database (gnomAD). The available evidence is insufficient to determine the role of this variant in disease conclusively. Therefore, this variant is classified as a Variant of Uncertain Significance.